The following is an entry in ClinVar:

NM_033196.3(ZNF682):c.549A>G (p.Lys183=)

Gene: ZNF682 (zinc finger protein 682; minus strand). Cytogenetic location: 19p12.
Variant type: single nucleotide variant.
Coding change: c.549A>G on transcript NM_033196.3 (MANE Select); coding-DNA position 549, A replaced by G.
Protein change: p.Lys183=; no amino-acid change (lysine 183 retained).
Molecular consequence: synonymous variant.
Genome position (GRCh38, 1-based): chr19:20,006,953, T>C on the plus strand (A>G on the coding strand, the complement: ZNF682 is on the minus strand). VCF-style: chr19-20006953-T-C. GRCh37 (hg19) VCF-style: chr19-20117762-T-C.
Other names: c.453A>G, p.Lys151= (NM_001077349.1).
Identifiers: ClinVar variation 5040004 (VCV005040004.1).
Genomic context (GRCh38, chr19:20,006,953, plus strand): 5'-ACATATGCAGAGTTTCTCTTCAGTGTGAATTATCTTATGATAAGAAAGGCCTGAGTGAGA[T>C]TTAAAGACTTTGCCACATTGCATACATTTGAAAAGTTTCTCTGTAGTATGTCTTATGTTT-3'
Protein context (NP_149973.1, residues 173-193): FKCMQCGKVF[Lys183=]SHSGLSYHKI

ClinVar aggregate classification (germline): Likely benign (1 of 4 stars; one submission).

Submission:

CeGaT Center for Human Genetics Tuebingen
Classification: Likely benign. Last evaluated: 2026-06-01. Review status: criteria provided, single submitter. Criteria: CeGaT Center For Human Genetics Tuebingen Variant Classification Criteria Version 2. Collection method: clinical testing. Allele origin: germline. Affected: yes. Observed: 1 variant allele.
Comment: ZNF682: PM2:Supporting, BP4, BP7